The following is an entry in ClinVar:

ClinVar aggregate classification (germline): Benign (0 of 4 stars; one submission).

Conditions:
IQGAP3-related disorder. Also called: IQGAP3-related condition.

Allele frequency attached by ClinVar (database versions not stated): gnomAD exomes 0.00020; ExAC 0.00063; gnomAD 0.00200; TOPMed 0.00219; ESP Exome Variant Server 0.00261; 1000 Genomes Project 0.00319; 1000 Genomes Project 30x 0.00390.
gnomAD v4.1: 605 of 1,612,268 alleles (0.038%); highest among the groups gnomAD compares: African/African-American, 0.74%; 2 homozygotes.

Submission:

PreventionGenetics, part of Exact Sciences
Classification: Benign for IQGAP3-related condition. Last evaluated: 2019-10-28. Review status: no assertion criteria provided. Collection method: clinical testing. Allele origin: germline.
Comment: This variant is classified as benign based on ACMG/AMP sequence variant interpretation guidelines (Richards et al. 2015 PMID: 25741868, with internal and published modifications).

NM_178229.5(IQGAP3):c.3663T>C (p.Ala1221=)

Gene: IQGAP3 (IQ motif containing GTPase activating protein 3; minus strand). Cytogenetic location: 1q22.
Variant type: single nucleotide variant.
Coding change: c.3663T>C on transcript NM_178229.5 (MANE Select); coding-DNA position 3663, T replaced by C.
Protein change: p.Ala1221=; no amino-acid change (alanine 1221 retained).
Molecular consequence: synonymous variant.
Genome position (GRCh38, 1-based): chr1:156,534,578, A>G on the plus strand (T>C on the coding strand, the complement: IQGAP3 is on the minus strand). VCF-style: chr1-156534578-A-G. GRCh37 (hg19) VCF-style: chr1-156504370-A-G.
Identifiers: ClinVar variation 3040560 (VCV003040560.2), dbSNP rs61740414, ClinGen allele CA1160947.